The following is an entry in ClinVar:

NM_016284.5(CNOT1):c.655T>G (p.Cys219Gly)

Gene: CNOT1 (CCR4-NOT transcription complex subunit 1; minus strand). Cytogenetic location: 16q21.
Variant type: single nucleotide variant.
Coding change: c.655T>G on transcript NM_016284.5 (MANE Select); coding-DNA position 655, T replaced by G.
Protein change: p.Cys219Gly; replaces cysteine 219 with glycine.
Molecular consequence: missense variant. On other transcripts: non-coding transcript variant (1).
Genome position (GRCh38, 1-based): chr16:58,585,489, A>C on the plus strand (T>G on the coding strand, the complement: CNOT1 is on the minus strand). VCF-style: chr16-58585489-A-C. GRCh37 (hg19) VCF-style: chr16-58619393-A-C.
Other names: c.655T>G, p.Cys219Gly (NM_001265612.2, NM_206999.3); short protein forms C219G.
Identifiers: ClinVar variation 4072582 (VCV004072582.1).
Genomic context (GRCh38, chr16:58,585,489, plus strand): 5'-TCCTGTCCATTAGAATGTCCCGTTTTTCAGGGTATAAAAGTGGTGCGAGCACCACGGGAC[A>C]GCGTTCTTGGGGAAAATCTGAGAGAGGAAAAAGGTTACAACTGCTATACTAATTAAAAAC-3'
Protein context (NP_057368.3, residues 209-229): TLRRDFPQER[Cys219Gly]PVVLAPLLYP

ClinVar aggregate classification (germline): Uncertain significance (1 of 4 stars; one submission).

Submission:

GeneDx
Classification: Uncertain significance. Last evaluated: 2025-01-31. Review status: criteria provided, single submitter. Criteria: GeneDx Variant Classification Process June 2021. Collection method: clinical testing. Allele origin: germline. Affected: yes.
Comment: Not observed at significant frequency in large population cohorts (gnomAD); In silico analysis supports that this missense variant has a deleterious effect on protein structure/function; Has not been previously published as pathogenic or benign to our knowledge